The following is an entry in ClinVar:

NM_015378.4(VPS13D):c.12828C>T (p.Cys4276=)

Gene: VPS13D (vacuolar protein sorting 13 homolog D; plus strand). Cytogenetic location: 1p36.21.
Variant type: single nucleotide variant.
Coding change: c.12828C>T on transcript NM_015378.4 (MANE Select); coding-DNA position 12828, C replaced by T.
Protein change: p.Cys4276=; no amino-acid change (cysteine 4276 retained).
Molecular consequence: synonymous variant.
Genome position (GRCh38, 1-based): chr1:12,506,886, C>T. VCF-style: chr1-12506886-C-T. GRCh37 (hg19) VCF-style: chr1-12566940-C-T.
Other names: c.12828C>T (NM_015378.3); c.12753C>T, p.Cys4251= (NM_018156.4).
Identifiers: ClinVar variation 2081304 (VCV002081304.6), dbSNP rs150954113, ClinGen allele CA604327.

ClinVar aggregate classification (germline): Likely benign. Review status: criteria provided, single submitter (1 of 4 stars). 2 submissions from 2 submitters: Likely benign (1). 1 of the submissions does not count toward it. Last evaluated 2022-03-18.

Conditions:
VPS13D-related disorder. Also called: VPS13D-related condition.

Allele frequency attached by ClinVar (database versions not stated): gnomAD 0.00003; TOPMed 0.00003; ExAC 0.00006; ESP Exome Variant Server 0.00008.
gnomAD v4.1: 281 of 1,614,160 alleles (0.017%); highest among the groups gnomAD compares: Non-Finnish European, 0.023%; no homozygotes.

Submissions (2):

Labcorp Genetics (formerly Invitae), Labcorp
Classification: Likely benign. Last evaluated: 2022-03-18. Review status: criteria provided, single submitter. Criteria: Invitae Variant Classification Sherloc (09022015). Collection method: clinical testing. Allele origin: germline.

PreventionGenetics, part of Exact Sciences
Classification: Likely benign for VPS13D-related condition. Last evaluated: 2019-07-19. Review status: no assertion criteria provided. Collection method: clinical testing. Allele origin: germline. Not counted in ClinVar's aggregate classification.
Comment: This variant is classified as likely benign based on ACMG/AMP sequence variant interpretation guidelines (Richards et al. 2015 PMID: 25741868, with internal and published modifications).